The following is an entry in ClinVar:

NM_000528.4(MAN2B1):c.1477del (p.Cys493fs)

Gene: MAN2B1 (mannosidase alpha class 2B member 1; minus strand). Cytogenetic location: 19p13.13.
Variant type: Deletion.
Coding change: c.1477del on transcript NM_000528.4 (MANE Select); coding-DNA position 1477, one base deleted (T; older notation c.1477delT).
Protein change: p.Cys493fs; shifts the reading frame from cysteine 493.
Molecular consequence: frameshift variant.
Genome position (GRCh38, 1-based): chr19:12,656,999, A deleted on the plus strand (T on the coding strand, the reverse complement: MAN2B1 is on the minus strand); the first of 4 consecutive A bases (chr19:12,656,999-12,657,002); deleting any one gives the same sequence. VCF-style (leftmost placement, unchanged base first): chr19-12656998-CA-C. GRCh37 (hg19) VCF-style: chr19-12767812-CA-C.
Other names: c.1474del, p.Cys492fs (NM_001173498.2); short protein forms C492fs, C493fs.
Identifiers: ClinVar variation 2795523 (VCV002795523.3), dbSNP rs2512500073, ClinGen allele CA2582720220.
Genomic context (GRCh38, chr19:12,656,998, plus strand): 5'-TCCCGGCTCACGCGCGCCGCCGTCTGGCTGAGCGGGCAGATGCTGATGTTTAGCTGTTGG[CA>C]AAAGGTGAAGTGATCTTTGAAGCCTCTGAGCCGCGCCAGCGCGTTGCTCAGAAGAACCTG-3'

ClinVar aggregate classification (germline): Pathogenic (1 of 4 stars; one submission).

Conditions:
Deficiency of alpha-mannosidase (MANSA). Also called: Mannosidosis, alpha-, types I and II; LYSOSOMAL ALPHA-D-MANNOSIDASE DEFICIENCY; Alpha-Mannosidosis. Identifiers: Orphanet 61, MedGen C0024748, MONDO:0009561, OMIM 248500.

Submission:

Labcorp Genetics (formerly Invitae), Labcorp
Classification: Pathogenic for Deficiency of alpha-mannosidase. Last evaluated: 2023-03-10. Review status: criteria provided, single submitter. Criteria: Invitae Variant Classification Sherloc (09022015). Collection method: clinical testing. Allele origin: germline.
Comment: This sequence change creates a premature translational stop signal (p.Cys493Alafs*4) in the MAN2B1 gene. It is expected to result in an absent or disrupted protein product. Loss-of-function variants in MAN2B1 are known to be pathogenic (PMID: 9915946, 22161967). This variant is not present in population databases (gnomAD no frequency). This variant has not been reported in the literature in individuals affected with MAN2B1-related conditions. For these reasons, this variant has been classified as Pathogenic.

Literature cited by the submitters: PubMed 9915946; PubMed 22161967.